The following is an entry in ClinVar:

ClinVar aggregate classification (germline): Uncertain significance. Review status: criteria provided, multiple submitters, no conflicts (2 of 4 stars). 3 submissions from 3 submitters: Uncertain significance (3). Last evaluated 2025-08-04.

Conditions:
Progressive sclerosing poliodystrophy (MTDPS4A). Also called: NEURONAL DEGENERATION OF CHILDHOOD WITH LIVER DISEASE, PROGRESSIVE; Mitochondrial DNA depletion syndrome 4A (Alpers type); Alpers-Huttenlocher Syndrome (AHS); Alpers Syndrome; ALPERS DIFFUSE DEGENERATION OF CEREBRAL GRAY MATTER WITH HEPATIC CIRRHOSIS; Alpers-Huttenlocher Syndrome. Identifiers: Orphanet 726, MedGen C0205710, MONDO:0008758, OMIM 203700.
Inborn genetic diseases. Identifiers: MedGen C0950123, MeSH D030342.

gnomAD v4.1: 4 of 1,614,026 alleles (0.00025%); highest among the groups gnomAD compares: Non-Finnish European, 0.00034%; no homozygotes.

Submissions (3):

Ambry Genetics
Classification: Uncertain significance for Inborn genetic diseases. Last evaluated: 2025-08-04. Review status: criteria provided, single submitter. Criteria: Ambry Variant Classification Scheme 2023. Collection method: clinical testing. Allele origin: germline.

Labcorp Genetics (formerly Invitae), Labcorp
Classification: Uncertain significance for Progressive sclerosing poliodystrophy. Last evaluated: 2023-06-05. Review status: criteria provided, single submitter. Criteria: Invitae Variant Classification Sherloc (09022015). Collection method: clinical testing. Allele origin: germline.
Comment: Advanced modeling of protein sequence and biophysical properties (such as structural, functional, and spatial information, amino acid conservation, physicochemical variation, residue mobility, and thermodynamic stability) performed at Invitae indicates that this missense variant is expected to disrupt POLG protein function. In summary, the available evidence is currently insufficient to determine the role of this variant in disease. Therefore, it has been classified as a Variant of Uncertain Significance. ClinVar contains an entry for this variant (Variation ID: 1675583). This variant has not been reported in the literature in individuals affected with POLG-related conditions. This variant is not present in population databases (gnomAD no frequency). This sequence change replaces arginine, which is basic and polar, with leucine, which is neutral and non-polar, at codon 1148 of the POLG protein (p.Arg1148Leu).

CeGaT Center for Human Genetics Tuebingen
Classification: Uncertain significance. Last evaluated: 2022-03-01. Review status: criteria provided, single submitter. Criteria: CeGaT Center For Human Genetics Tuebingen Variant Classification Criteria Version 2. Collection method: clinical testing. Allele origin: germline. Affected: yes. Observed: 1 variant allele.
Comment: POLG: PM2

NM_002693.3(POLG):c.3443G>T (p.Arg1148Leu)

Gene: POLG (DNA polymerase gamma, catalytic subunit; minus strand). Cytogenetic location: 15q26.1.
Variant type: single nucleotide variant.
Coding change: c.3443G>T on transcript NM_002693.3 (MANE Select); coding-DNA position 3443, G replaced by T.
Protein change: p.Arg1148Leu; replaces arginine 1148 with leucine.
Molecular consequence: missense variant.
Genome position (GRCh38, 1-based): chr15:89,318,580, C>A on the plus strand (G>T on the coding strand, the complement: POLG is on the minus strand). VCF-style: chr15-89318580-C-A. GRCh37 (hg19) VCF-style: chr15-89861811-C-A.
Other names: c.3443G>T, p.Arg1148Leu (NM_001126131.2); c.3443G>T (NM_002693.2); short protein forms R1148L.
Identifiers: ClinVar variation 1675583 (VCV001675583.39), dbSNP rs145004638, ClinGen allele CA393749719.
Genomic context (GRCh38, chr15:89,318,580, plus strand): 5'-GAGGCCATGGGCCCCGCATACCTGGTCAAGAGGTTGGTGATCTGCAAGGCCAGGGCAGCG[C>A]GGTAGCGGTCCTCCTCCCGCACCAGGTAGCGAACCTCGTCATGGATGCTGATGCAGAAGC-3'
Protein context (NP_002684.1, residues 1138-1158): RYLVREEDRY[Arg1148Leu]AALALQITNL